The following is an entry in ClinVar:

ClinVar aggregate classification (germline): Uncertain significance. Review status: criteria provided, multiple submitters, no conflicts (2 of 4 stars). 3 submissions from 3 submitters: Uncertain significance (3). Last evaluated 2026-08-06.

Conditions:
Progressive external ophthalmoplegia with mitochondrial DNA deletions, autosomal recessive 2 (PEOB2). Also called: PROGRESSIVE EXTERNAL OPHTHALMOPLEGIA, AUTOSOMAL RECESSIVE 2. Identifiers: Orphanet 329336, MedGen C4225312, MONDO:0014656, OMIM 616479.
Inborn genetic diseases. Identifiers: MedGen C0950123, MeSH D030342.

Allele frequency attached by ClinVar (database versions not stated): ExAC 0.00001; gnomAD 0.00001; TOPMed 0.00003.
gnomAD v4.1: 15 of 1,613,304 alleles (0.00093%); highest among the groups gnomAD compares: South Asian, 0.0011%; no homozygotes.

Submissions (3):

OLLIN Analises Genomicas, OLLIN
Classification: Uncertain significance for Progressive external ophthalmoplegia with mitochondrial DNA deletions, autosomal recessive 2. Last evaluated: 2026-08-06. Review status: criteria provided, single submitter. Criteria: ACMG Guidelines 2015 PMID 25741868. Collection method: clinical testing. Allele origin: germline.
Comment: This missense variant, located in exon 3 (of 8), has been reported in ClinVar (accession VCV002420793.8) and in gnomAD with an allele frequency of 0.00093%. However, to our knowledge, it has not been reported in the scientific literature. In silico analysis predicts that this variant has a tolerated effect. According to the currently available evidence, this variant has been classified as uncertain significance (PM2_P, BP4_M).

Ambry Genetics
Classification: Uncertain significance for Inborn genetic diseases. Last evaluated: 2025-03-24. Review status: criteria provided, single submitter. Criteria: Ambry Variant Classification Scheme 2023. Collection method: clinical testing. Allele origin: germline.

Labcorp Genetics (formerly Invitae), Labcorp
Classification: Uncertain significance. Last evaluated: 2022-08-15. Review status: criteria provided, single submitter. Criteria: Invitae Variant Classification Sherloc (09022015). Collection method: clinical testing. Allele origin: germline.
Comment: This sequence change replaces proline, which is neutral and non-polar, with leucine, which is neutral and non-polar, at codon 113 of the RNASEH1 protein (p.Pro113Leu). This variant is present in population databases (rs745796566, gnomAD 0.003%). This variant has not been reported in the literature in individuals affected with RNASEH1-related conditions. Algorithms developed to predict the effect of missense changes on protein structure and function (SIFT, PolyPhen-2, Align-GVGD) all suggest that this variant is likely to be tolerated. In summary, the available evidence is currently insufficient to determine the role of this variant in disease. Therefore, it has been classified as a Variant of Uncertain Significance.

NM_002936.6(RNASEH1):c.338C>T (p.Pro113Leu)

Gene: RNASEH1 (ribonuclease H1; minus strand). Cytogenetic location: 2p25.3.
Variant type: single nucleotide variant.
Coding change: c.338C>T on transcript NM_002936.6 (MANE Select); coding-DNA position 338, C replaced by T.
Protein change: p.Pro113Leu; replaces proline 113 with leucine.
Molecular consequence: missense variant. On other transcripts: 5 prime UTR variant (1), non-coding transcript variant (7).
Genome position (GRCh38, 1-based): chr2:3,552,215, G>A on the plus strand (C>T on the coding strand, the complement: RNASEH1 is on the minus strand). VCF-style: chr2-3552215-G-A. GRCh37 (hg19) VCF-style: chr2-3599805-G-A.
Other names: c.338C>T (NM_002936.3); c.260C>T, p.Pro87Leu (NM_001286834.3); c.-14C>T (NM_001286837.3); c.338C>T, p.Pro113Leu (NM_001378271.1, NM_001378272.1, NM_001378273.1); short protein forms P113L, P87L.
Identifiers: ClinVar variation 2420793 (VCV002420793.9), dbSNP rs745796566, ClinGen allele CA1516318.